The following is an entry in ClinVar:

NM_005219.5(DIAPH1):c.221C>T (p.Ser74Leu)

Gene: DIAPH1 (diaphanous related formin 1; minus strand). Cytogenetic location: 5q31.3.
Variant type: single nucleotide variant.
Coding change: c.221C>T on transcript NM_005219.5 (MANE Select); coding-DNA position 221, C replaced by T.
Protein change: p.Ser74Leu; replaces serine 74 with leucine.
Molecular consequence: missense variant.
Genome position (GRCh38, 1-based): chr5:141,587,121, G>A on the plus strand (C>T on the coding strand, the complement: DIAPH1 is on the minus strand). VCF-style: chr5-141587121-G-A. GRCh37 (hg19) VCF-style: chr5-140966688-G-A.
Other names: c.194C>T, p.Ser65Leu (NM_001079812.3); c.221C>T, p.Ser74Leu (NM_001314007.2); short protein forms S74L, S65L.
Identifiers: ClinVar variation 2953600 (VCV002953600.3), dbSNP rs2513781106, ClinGen allele CA361546525.

ClinVar aggregate classification (germline): Uncertain significance (1 of 4 stars; one submission).

Conditions:
Autosomal dominant nonsyndromic hearing loss 1. Also called: DEAFNESS, AUTOSOMAL DOMINANT 1, WITH OR WITHOUT THROMBOCYTOPENIA; KONIGSMARK SYNDROME. Identifiers: Orphanet 90635, MedGen C1852282, MONDO:0007424, OMIM 124900.
Progressive microcephaly-seizures-cortical blindness-developmental delay syndrome. Also called: Seizures, cortical blindness, and microcephaly syndrome. Identifiers: Orphanet 477814, MedGen C5567650, MONDO:0014714, OMIM 616632.

Allele frequency attached by ClinVar (database versions not stated): gnomAD exomes below 0.00001.
gnomAD v4.1: 3 of 1,614,062 alleles (0.00019%); highest among the groups gnomAD compares: Non-Finnish European, 0.00017%; no homozygotes.

Submission:

Labcorp Genetics (formerly Invitae), Labcorp
Classification: Uncertain significance for Progressive microcephaly-seizures-cortical blindness-developmental delay syndrome; Autosomal dominant nonsyndromic hearing loss 1. Last evaluated: 2023-11-06. Review status: criteria provided, single submitter. Criteria: Invitae Variant Classification Sherloc (09022015). Collection method: clinical testing. Allele origin: germline.
Comment: This sequence change replaces serine, which is neutral and polar, with leucine, which is neutral and non-polar, at codon 74 of the DIAPH1 protein (p.Ser74Leu). This variant is not present in population databases (gnomAD no frequency). This variant has not been reported in the literature in individuals affected with DIAPH1-related conditions. Experimental studies and prediction algorithms are not available or were not evaluated, and the functional significance of this variant is currently unknown. In summary, the available evidence is currently insufficient to determine the role of this variant in disease. Therefore, it has been classified as a Variant of Uncertain Significance.